The following is an entry in ClinVar:

ClinVar aggregate classification (germline): Uncertain significance. Review status: criteria provided, multiple submitters, no conflicts (2 of 4 stars). 2 submissions from 2 submitters: Uncertain significance (2). Last evaluated 2024-02-06.

Conditions:
Tuberous sclerosis 2 (TSC2). Identifiers: Orphanet 805, MedGen C1860707, MONDO:0013199, OMIM 613254.
Hereditary cancer-predisposing syndrome. Also called: Hereditary Cancer Syndrome; Tumor predisposition; Hereditary neoplastic syndrome; Neoplastic Syndromes, Hereditary. Identifiers: Orphanet 140162, MedGen C0027672, MeSH D009386, MONDO:0015356.

gnomAD v4.1: 1 of 1,596,052 alleles (0.000063%); highest among the groups gnomAD compares: East Asian, 0.0023%; no homozygotes.

Submissions (2):

Labcorp Genetics (formerly Invitae), Labcorp
Classification: Uncertain significance for Tuberous sclerosis 2. Last evaluated: 2024-02-06. Review status: criteria provided, single submitter. Criteria: Invitae Variant Classification Sherloc (09022015). Collection method: clinical testing. Allele origin: germline.
Comment: This sequence change replaces valine, which is neutral and non-polar, with leucine, which is neutral and non-polar, at codon 679 of the TSC2 protein (p.Val679Leu). This variant is not present in population databases (gnomAD no frequency). This variant has not been reported in the literature in individuals affected with TSC2-related conditions. ClinVar contains an entry for this variant (Variation ID: 1052187). Advanced modeling of protein sequence and biophysical properties (such as structural, functional, and spatial information, amino acid conservation, physicochemical variation, residue mobility, and thermodynamic stability) performed at Invitae indicates that this missense variant is not expected to disrupt TSC2 protein function with a negative predictive value of 95%. In summary, the available evidence is currently insufficient to determine the role of this variant in disease. Therefore, it has been classified as a Variant of Uncertain Significance.

Ambry Genetics
Classification: Uncertain significance for Hereditary cancer-predisposing syndrome. Last evaluated: 2023-08-22. Review status: criteria provided, single submitter. Criteria: Ambry Variant Classification Scheme 2023. Collection method: clinical testing. Allele origin: germline.
Comment: The p.V679L variant (also known as c.2035G>T), located in coding exon 18 of the TSC2 gene, results from a G to T substitution at nucleotide position 2035. The valine at codon 679 is replaced by leucine, an amino acid with highly similar properties. This amino acid position is not well conserved in available vertebrate species. In addition, the in silico prediction for this alteration is inconclusive. Since supporting evidence is limited at this time, the clinical significance of this alteration remains unclear.

NM_000548.5(TSC2):c.2035G>T (p.Val679Leu)

Gene: TSC2 (TSC complex subunit 2; plus strand). Cytogenetic location: 16p13.3.
Variant type: single nucleotide variant.
Coding change: c.2035G>T on transcript NM_000548.5 (MANE Select); coding-DNA position 2035, G replaced by T.
Protein change: p.Val679Leu; replaces valine 679 with leucine.
Molecular consequence: missense variant.
Genome position (GRCh38, 1-based): chr16:2,071,872, G>T. VCF-style: chr16-2071872-G-T. GRCh37 (hg19) VCF-style: chr16-2121873-G-T.
Other names: c.1924G>T, p.Val642Leu (NM_001318827.2); c.1888G>T, p.Val630Leu (NM_001318829.2); c.1435G>T, p.Val479Leu (NM_001318831.2); c.2068G>T, p.Val690Leu (NM_001318832.2); c.2035G>T, p.Val679Leu (NM_001363528.2, NM_001370404.1, NM_001370405.1 and 3 more transcripts); c.2035G>T (NM_000548.3); short protein forms V479L, V630L, V642L, V679L, V690L.
Identifiers: ClinVar variation 1052187 (VCV001052187.10), dbSNP rs746315218, ClinGen allele CA394274554.